The following is an entry in ClinVar:

ClinVar aggregate classification (germline): Benign/Likely benign. Review status: criteria provided, multiple submitters, no conflicts (2 of 4 stars). 6 submissions from 6 submitters: Benign (1); Likely benign (4). 1 of the submissions does not count toward it. Last evaluated 2026-04-14.

Conditions:
DICER1-related tumor predisposition. Also called: DICER1-related pleuropulmonary blastoma cancer predisposition syndrome; DICER1 syndrome. Identifiers: Orphanet 284343, MedGen C3839822, MONDO:0100216.
DICER1-related disorder. Also called: DICER1-related condition.
Hereditary cancer-predisposing syndrome. Also called: Hereditary Cancer Syndrome; Neoplastic Syndromes, Hereditary; Hereditary neoplastic syndrome; Tumor predisposition. Identifiers: Orphanet 140162, MedGen C0027672, MeSH D009386, MONDO:0015356.

Allele frequency attached by ClinVar (database versions not stated): ExAC 0.00002; gnomAD 0.00009 and 0.00010; TOPMed 0.00009; gnomAD exomes 0.00001 and 0.00002; ESP Exome Variant Server 0.00008.
gnomAD v4.1: 21 of 1,613,842 alleles (0.0013%); highest among the groups gnomAD compares: African/African-American, 0.025%; no homozygotes.

Submissions (6):

Myriad Genetics, Inc.
Classification: Benign for DICER1-related tumor predisposition. Last evaluated: 2026-04-14. Review status: criteria provided, single submitter. Criteria: Myriad Autosomal Dominant, Autosomal Recessive and X-Linked Classification Criteria (2023). Collection method: clinical testing. Allele origin: unknown.
Comment: This variant is considered benign. This variant is a silent/synonymous amino acid change and it is not expected to impact splicing.

Labcorp Genetics (formerly Invitae), Labcorp
Classification: Likely benign for DICER1-related tumor predisposition. Last evaluated: 2026-01-12. Review status: criteria provided, single submitter. Criteria: Invitae Variant Classification Sherloc (09022015). Collection method: clinical testing. Allele origin: germline.

Quest Diagnostics Nichols Institute San Juan Capistrano
Classification: Likely benign. Last evaluated: 2023-01-20. Review status: criteria provided, single submitter. Criteria: Quest Diagnostics criteria. Collection method: clinical testing. Allele origin: unknown.

Sema4
Classification: Likely benign for Hereditary cancer-predisposing syndrome. Last evaluated: 2022-02-27. Review status: criteria provided, single submitter. Criteria: Sema4 Curation Guidelines. Collection method: curation. Allele origin: germline.

Ambry Genetics
Classification: Likely benign for Hereditary cancer-predisposing syndrome. Last evaluated: 2017-05-24. Review status: criteria provided, single submitter. Criteria: Ambry Variant Classification Scheme 2023. Collection method: clinical testing. Allele origin: germline.

PreventionGenetics, part of Exact Sciences
Classification: Likely benign for DICER1-related condition. Last evaluated: 2023-07-11. Review status: no assertion criteria provided. Collection method: clinical testing. Allele origin: germline. Not counted in ClinVar's aggregate classification.
Comment: This variant is classified as likely benign based on ACMG/AMP sequence variant interpretation guidelines (Richards et al. 2015 PMID: 25741868, with internal and published modifications).

NM_177438.3(DICER1):c.276T>C (p.Asn92=)

Gene: DICER1 (dicer 1, ribonuclease III; minus strand). Cytogenetic location: 14q32.13.
Variant type: single nucleotide variant.
Coding change: c.276T>C on transcript NM_177438.3 (MANE Select); coding-DNA position 276, T replaced by C.
Protein change: p.Asn92=; no amino-acid change (asparagine 92 retained).
Molecular consequence: synonymous variant.
Genome position (GRCh38, 1-based): chr14:95,132,546, A>G on the plus strand (T>C on the coding strand, the complement: DICER1 is on the minus strand). VCF-style: chr14-95132546-A-G. GRCh37 (hg19) VCF-style: chr14-95598883-A-G.
Other names: c.276T>C, p.Asn92= (NM_001195573.1, NM_001271282.3, NM_001291628.2 and 1 more transcripts).
Identifiers: ClinVar variation 417103 (VCV000417103.21), dbSNP rs370551656, ClinGen allele CA7331703.